The following is an entry in ClinVar:

NM_000179.3(MSH6):c.290G>A (p.Trp97Ter)

Gene: MSH6 (mutS homolog 6; plus strand). Cytogenetic location: 2p16.3.
Variant type: single nucleotide variant.
Coding change: c.290G>A on transcript NM_000179.3 (MANE Select); coding-DNA position 290, G replaced by A.
Protein change: p.Trp97Ter; replaces tryptophan 97 with a stop codon.
Molecular consequence: nonsense. On other transcripts: 5 prime UTR variant (2), intron variant (1).
Genome position (GRCh38, 1-based): chr2:47,790,956, G>A. VCF-style: chr2-47790956-G-A. GRCh37 (hg19) VCF-style: chr2-48018095-G-A.
Other names: c.-447G>A (NM_001281493.2, NM_001406823.1, NM_001406829.1 and 1 more transcripts); c.-613G>A (NM_001281494.2); c.386G>A, p.Trp129Ter (NM_001406795.1, NM_001406802.1); c.290G>A, p.Trp97Ter (NM_001406796.1, NM_001406798.1, NM_001406800.1 and 6 more transcripts); c.-8G>A (NM_001406797.1, NM_001406801.1, NM_001406819.1 and 10 more transcripts); c.122G>A, p.Trp41Ter (NM_001406826.1); c.237+7486G>A (NM_001281492.2); c.212G>A, p.Trp71Ter (NM_001406804.1); and 3 more; short protein forms W129*, W97*, W41*, W71*.
Identifiers: ClinVar variation 1797568 (VCV001797568.7), dbSNP rs752680756, ClinGen allele CA346736638.

ClinVar aggregate classification (germline): Pathogenic. Review status: criteria provided, multiple submitters, no conflicts (2 of 4 stars). 4 submissions from 4 submitters: Pathogenic (4). Last evaluated 2026-05-07.

Conditions:
Hereditary nonpolyposis colon cancer (HNPCC). Also called: Hereditary Nonpolyposis Colorectal Cancer Syndrome; Hereditary nonpolyposis colorectal cancer; Familial nonpolyposis colon cancer. Identifiers: Orphanet 443909, MedGen C1333990, MONDO:0018630. Disease mechanism: loss of function.
Hereditary nonpolyposis colorectal neoplasms. Identifiers: MedGen C0009405, MeSH D003123.
Hereditary cancer-predisposing syndrome. Also called: Neoplastic Syndromes, Hereditary; Tumor predisposition; Hereditary Cancer Syndrome; Hereditary neoplastic syndrome. Identifiers: Orphanet 140162, MedGen C0027672, MeSH D009386, MONDO:0015356.
Lynch syndrome 5 (LYNCH5). Also called: Hereditary non-polyposis colorectal cancer, type 5; Colorectal cancer, hereditary nonpolyposis, type 5. Identifiers: Orphanet 144, MedGen C1833477, MONDO:0013710, OMIM 614350. Disease mechanism: loss of function.

Submissions (4):

Women's Health and Genetics/Laboratory Corporation of America, LabCorp
Classification: Pathogenic for Hereditary nonpolyposis colon cancer. Last evaluated: 2026-05-07. Review status: criteria provided, single submitter. Criteria: LabCorp Variant Classification Summary - May 2015. Collection method: clinical testing. Allele origin: germline.
Comment: Variant summary: MSH6 c.290G>A (p.Trp97X) results in a premature termination codon, predicted to cause a truncation of the encoded protein or absence of the protein due to nonsense mediated decay, which are commonly known mechanisms for disease. The variant was absent in 251482 control chromosomes. To our knowledge, no occurrence of c.290G>A in individuals affected with MSH6-related conditions and no experimental evidence demonstrating its impact on protein function have been reported. ClinVar contains an entry for this variant (Variation ID: 1797568). Based on the evidence outlined above, the variant was classified as pathogenic.

Ambry Genetics
Classification: Pathogenic for Hereditary cancer-predisposing syndrome. Last evaluated: 2025-05-15. Review status: criteria provided, single submitter. Criteria: Ambry Variant Classification Scheme 2023. Collection method: clinical testing. Allele origin: germline.
Comment: The p.W97* pathogenic mutation (also known as c.290G>A), located in coding exon 2 of the MSH6 gene, results from a G to A substitution at nucleotide position 290. This changes the amino acid from a tryptophan to a stop codon within coding exon 2. This variant is considered to be rare based on population cohorts in the Genome Aggregation Database (gnomAD). This alteration is expected to result in loss of function by premature protein truncation or nonsense-mediated mRNA decay. As such, this alteration is interpreted as a disease-causing mutation.

Labcorp Genetics (formerly Invitae), Labcorp
Classification: Pathogenic for Hereditary nonpolyposis colorectal neoplasms. Last evaluated: 2024-03-14. Review status: criteria provided, single submitter. Criteria: Invitae Variant Classification Sherloc (09022015). Collection method: clinical testing. Allele origin: germline.
Comment: This sequence change creates a premature translational stop signal (p.Trp97*) in the MSH6 gene. It is expected to result in an absent or disrupted protein product. Loss-of-function variants in MSH6 are known to be pathogenic (PMID: 18269114, 24362816). This variant is not present in population databases (gnomAD no frequency). This variant has not been reported in the literature in individuals affected with MSH6-related conditions. ClinVar contains an entry for this variant (Variation ID: 1797568). For these reasons, this variant has been classified as Pathogenic.

Myriad Genetics, Inc.
Classification: Pathogenic for Lynch syndrome 5. Last evaluated: 2023-08-10. Review status: criteria provided, single submitter. Criteria: Myriad Autosomal Dominant, Autosomal Recessive and X-Linked Classification Criteria (2023). Collection method: clinical testing. Allele origin: unknown.
Comment: This variant is considered pathogenic. This variant creates a termination codon and is predicted to result in premature protein truncation.

Literature cited by the submitters: PubMed 18269114 (cited by Labcorp Genetics (formerly Invitae), Labcorp); PubMed 24362816 (cited by Labcorp Genetics (formerly Invitae), Labcorp).